The following is an entry in ClinVar:

NM_014795.4(ZEB2):c.2840C>G (p.Ala947Gly)

Gene: ZEB2 (zinc finger E-box binding homeobox 2; minus strand). Cytogenetic location: 2q22.3.
Variant type: single nucleotide variant.
Coding change: c.2840C>G on transcript NM_014795.4 (MANE Select); coding-DNA position 2840, C replaced by G.
Protein change: p.Ala947Gly; replaces alanine 947 with glycine.
Molecular consequence: missense variant.
Genome position (GRCh38, 1-based): chr2:144,398,347, G>C on the plus strand (C>G on the coding strand, the complement: ZEB2 is on the minus strand). VCF-style: chr2-144398347-G-C. GRCh37 (hg19) VCF-style: chr2-145155914-G-C.
Other names: c.2768C>G, p.Ala923Gly (NM_001171653.2); short protein forms A923G, A947G.
Identifiers: ClinVar variation 1032636 (VCV001032636.4), dbSNP rs1560605826, ClinGen allele CA348706668.

ClinVar aggregate classification (germline): Uncertain significance. Review status: criteria provided, multiple submitters, no conflicts (2 of 4 stars). 2 submissions from 2 submitters: Uncertain significance (2). Last evaluated 2023-11-07.

Conditions:
Mowat-Wilson syndrome (MOWS). Also called: Classic Mowat-Wilson Syndrome. Identifiers: Orphanet 2152, MedGen C1856113, MONDO:0009341, OMIM 235730.

Allele frequency attached by ClinVar (database versions not stated): gnomAD exomes 0.00001 and below 0.00001; TOPMed below 0.00001.
gnomAD v4.1: 15 of 1,613,936 alleles (0.00093%); highest among the groups gnomAD compares: Non-Finnish European, 0.0012%; no homozygotes.

Submissions (2):

Labcorp Genetics (formerly Invitae), Labcorp
Classification: Uncertain significance for Mowat-Wilson syndrome. Last evaluated: 2023-11-07. Review status: criteria provided, single submitter. Criteria: Invitae Variant Classification Sherloc (09022015). Collection method: clinical testing. Allele origin: germline.
Comment: This sequence change replaces alanine, which is neutral and non-polar, with glycine, which is neutral and non-polar, at codon 947 of the ZEB2 protein (p.Ala947Gly). This variant is not present in population databases (gnomAD no frequency). This variant has not been reported in the literature in individuals affected with ZEB2-related conditions. ClinVar contains an entry for this variant (Variation ID: 1032636). Advanced modeling of protein sequence and biophysical properties (such as structural, functional, and spatial information, amino acid conservation, physicochemical variation, residue mobility, and thermodynamic stability) performed at Invitae indicates that this missense variant is not expected to disrupt ZEB2 protein function with a negative predictive value of 80%. In summary, the available evidence is currently insufficient to determine the role of this variant in disease. Therefore, it has been classified as a Variant of Uncertain Significance.

Baylor Genetics
Classification: Uncertain significance for Mowat-Wilson syndrome. Last evaluated: 2018-07-19. Review status: criteria provided, single submitter. Criteria: ACMG Guidelines, 2015. Collection method: clinical testing. Allele origin: maternal. Affected: yes.
Comment: This variant was determined to be of uncertain significance according to ACMG Guidelines, 2015 [PMID:25741868].